The following is an entry in ClinVar:

NM_174934.4(SCN4B):c.593+62C>T

Gene: SCN4B (sodium voltage-gated channel beta subunit 4; minus strand). Cytogenetic location: 11q23.3.
Variant type: single nucleotide variant.
Coding change: c.593+62C>T on transcript NM_174934.4 (MANE Select); 62 bases into the intron after coding-DNA position 593, C replaced by T.
Molecular consequence: intron variant.
Genome position (GRCh38, 1-based): chr11:118,141,145, G>A on the plus strand (C>T on the coding strand, the complement: SCN4B is on the minus strand). VCF-style: chr11-118141145-G-A. GRCh37 (hg19) VCF-style: chr11-118011860-G-A.
Other names: c.191+62C>T (NM_001142348.2); c.263+62C>T (NM_001142349.2).
Identifiers: ClinVar variation 672214 (VCV000672214.2), dbSNP rs12804550, ClinGen allele CA13450138.

ClinVar aggregate classification (germline): Benign. Review status: criteria provided, multiple submitters, no conflicts (2 of 4 stars). 2 submissions from 2 submitters: Benign (2). Last evaluated 2018-06-14.

Allele frequency attached by ClinVar (database versions not stated): 1000 Genomes Project 0.14197; 1000 Genomes Project 30x 0.14428; gnomAD 0.16368 and 0.16572; TOPMed 0.16591; gnomAD exomes 0.18294.
gnomAD v4.1: 290,529 of 1,602,686 alleles (18%); highest among the groups gnomAD compares: Middle Eastern, 26%; 27,056 homozygotes.

Submissions (2):

GeneDx
Classification: Benign. Last evaluated: 2018-06-14. Review status: criteria provided, single submitter. Criteria: GeneDx Variant Classification (06012015). Collection method: clinical testing. Allele origin: germline. Affected: yes.
Comment: This variant is considered likely benign or benign based on one or more of the following criteria: it is a conservative change, it occurs at a poorly conserved position in the protein, it is predicted to be benign by multiple in silico algorithms, and/or has population frequency not consistent with disease.

Breakthrough Genomics
Classification: Benign. Review status: criteria provided, single submitter. Criteria: ACMG Guidelines, 2015. Collection method: not provided. Allele origin: germline. Inheritance: Autosomal dominant inheritance. Affected: yes.